The following is an entry in ClinVar:

ClinVar aggregate classification (germline): Uncertain significance (1 of 4 stars; one submission).

Submission:

GeneDx
Classification: Uncertain significance. Last evaluated: 2025-10-15. Review status: criteria provided, single submitter. Criteria: GeneDx Variant Classification Process June 2021. Collection method: clinical testing. Allele origin: germline.
Comment: Not observed at significant frequency in large population cohorts (gnomAD); In silico analysis supports that this missense variant has a deleterious effect on protein structure/function; Has not been previously published as pathogenic or benign to our knowledge

NM_000243.3(MEFV):c.1145T>A (p.Val382Asp)

Gene: MEFV (MEFV innate immunity regulator, pyrin; minus strand). Cytogenetic location: 16p13.3.
Variant type: single nucleotide variant.
Coding change: c.1145T>A on transcript NM_000243.3 (MANE Select); coding-DNA position 1145, T replaced by A.
Protein change: p.Val382Asp; replaces valine 382 with aspartic acid.
Molecular consequence: missense variant.
Genome position (GRCh38, 1-based): chr16:3,249,546, A>T on the plus strand (T>A on the coding strand, the complement: MEFV is on the minus strand). VCF-style: chr16-3249546-A-T. GRCh37 (hg19) VCF-style: chr16-3299546-A-T.
Other names: c.512T>A, p.Val171Asp (NM_001198536.2); short protein forms V171D, V382D.
Identifiers: ClinVar variation 3573850 (VCV003573850.2).